The following is an entry in ClinVar:

ClinVar aggregate classification (germline): Uncertain significance (1 of 4 stars; one submission).

Allele frequency attached by ClinVar (database versions not stated): ExAC 0.00001.

Submission:

GeneDx
Classification: Uncertain significance. Last evaluated: 2023-01-18. Review status: criteria provided, single submitter. Criteria: GeneDx Variant Classification Process June 2021. Collection method: clinical testing. Allele origin: germline. Affected: yes.
Comment: In silico analysis supports that this missense variant does not alter protein structure/function; Has not been previously published as pathogenic or benign to our knowledge

NM_078629.4(MSL3):c.1148A>G (p.Lys383Arg)

Gene: MSL3 (MSL complex subunit 3; plus strand). Cytogenetic location: Xp22.2.
Variant type: single nucleotide variant.
Coding change: c.1148A>G on transcript NM_078629.4 (MANE Select); coding-DNA position 1148, A replaced by G.
Protein change: p.Lys383Arg; replaces lysine 383 with arginine.
Molecular consequence: missense variant.
Genome position (GRCh38, 1-based): chrX:11,765,706, A>G. VCF-style: chrX-11765706-A-G. GRCh37 (hg19) VCF-style: chrX-11783825-A-G.
Other names: c.1112A>G, p.Lys371Arg (NM_001193270.2); c.701A>G, p.Lys234Arg (NM_001282174.1); c.650A>G, p.Lys217Arg (NM_006800.4); c.1148A>G, p.Lys383Arg (NM_078628.2); short protein forms K217R, K234R, K371R, K383R.
Identifiers: ClinVar variation 2573745 (VCV002573745.1), dbSNP rs753786365, ClinGen allele CA10348904.